The following is an entry in ClinVar:

ClinVar aggregate classification (germline): Uncertain significance (1 of 4 stars; one submission).

Conditions:
Coffin-Siris syndrome 1 (CSS1). Also called: ARID1B-Related Coffin-Siris Syndrome; Mental retardation, autosomal dominant 12. Identifiers: Orphanet 1465, MedGen C3281201, MONDO:0007617, OMIM 135900. Disease mechanism: gain of function.

Allele frequency attached by ClinVar (database versions not stated): gnomAD exomes below 0.00001 and 0.00001.
gnomAD v4.1: 6 of 1,614,138 alleles (0.00037%); highest among the groups gnomAD compares: Non-Finnish European, 0.00051%; no homozygotes.

Submission:

New York Genome Center
Classification: Uncertain significance for Coffin-Siris syndrome 1. Last evaluated: 2021-09-03. Review status: criteria provided, single submitter. Criteria: NYGC Assertion Criteria 2020. Collection method: clinical testing. Allele origin: inherited. Observed: 1 heterozygote. Study: CSER-NYCKidSeq.
Comment: The inherited heterozygous c.5482G>A (p.Glu1828Lys) missense variant identified in the ARID1B gene has not been reported in affected individuals in the literature. The variant is absent from gnomAD(v3) database suggesting it is not a common benign variant in the populations represented in that database. The variant affects a weakly conserved residue. In silico tools provide conflicting predictions about potential pathogenicity of this variant (CADD score =25.4, REVEL score = 0.113). Based on the available evidence, the inherited heterozygous c.5482G>A (p.Glu1828Lys) missense variant identified in the ARID1B gene is reported as a Variant of Uncertain Significance.

NM_001374828.1(ARID1B):c.5602G>A (p.Glu1868Lys)

Gene: ARID1B (AT-rich interaction domain 1B; plus strand). Cytogenetic location: 6q25.3.
Variant type: single nucleotide variant.
Coding change: c.5602G>A on transcript NM_001374828.1 (MANE Select); coding-DNA position 5602, G replaced by A.
Protein change: p.Glu1868Lys; replaces glutamic acid 1868 with lysine.
Molecular consequence: missense variant.
Genome position (GRCh38, 1-based): chr6:157,206,374, G>A. VCF-style: chr6-157206374-G-A. GRCh37 (hg19) VCF-style: chr6-157527508-G-A.
Other names: c.3103G>A, p.Glu1035Lys (NM_001363725.2); c.5482G>A, p.Glu1828Lys (NM_001371656.1, NM_001374820.1); c.5443G>A, p.Glu1815Lys (NM_017519.3); short protein forms E1035K, E1815K, E1828K, E1868K.
Identifiers: ClinVar variation 1701723 (VCV001701723.1), dbSNP rs528801298, ClinGen allele CA150378121.